The following is an entry in ClinVar:

NM_145068.4(TRPV3):c.2236G>A (p.Val746Ile)

Gene: TRPV3 (transient receptor potential cation channel subfamily V member 3; minus strand). Cytogenetic location: 17p13.2.
Variant type: single nucleotide variant.
Coding change: c.2236G>A on transcript NM_145068.4 (MANE Select); coding-DNA position 2236, G replaced by A.
Protein change: p.Val746Ile; replaces valine 746 with isoleucine.
Molecular consequence: missense variant.
Genome position (GRCh38, 1-based): chr17:3,514,635, C>T on the plus strand (G>A on the coding strand, the complement: TRPV3 is on the minus strand). VCF-style: chr17-3514635-C-T. GRCh37 (hg19) VCF-style: chr17-3417929-C-T.
Other names: c.2236G>A, p.Val746Ile (NM_001258205.2); short protein forms V746I.
Identifiers: ClinVar variation 3462319 (VCV003462319.2).

ClinVar aggregate classification (germline): Uncertain significance. Review status: criteria provided, multiple submitters, no conflicts (2 of 4 stars). 2 submissions from 2 submitters: Uncertain significance (2). Last evaluated 2025-08-27.

Conditions:
Inborn genetic diseases. Identifiers: MedGen C0950123, MeSH D030342.

gnomAD v4.1: 142 of 1,613,920 alleles (0.0088%); highest among the groups gnomAD compares: Non-Finnish European, 0.011%; no homozygotes.

Submissions (2):

Labcorp Genetics (formerly Invitae), Labcorp
Classification: Uncertain significance. Last evaluated: 2025-08-27. Review status: criteria provided, single submitter. Criteria: Invitae Variant Classification Sherloc (09022015). Collection method: clinical testing. Allele origin: germline.
Comment: This sequence change replaces valine, which is neutral and non-polar, with isoleucine, which is neutral and non-polar, at codon 746 of the TRPV3 protein (p.Val746Ile). This variant is present in population databases (rs781340481, gnomAD 0.006%). This variant has not been reported in the literature in individuals affected with TRPV3-related conditions. ClinVar contains an entry for this variant (Variation ID: 3462319). Invitae Evidence Modeling of protein sequence and biophysical properties (such as structural, functional, and spatial information, amino acid conservation, physicochemical variation, residue mobility, and thermodynamic stability) indicates that this missense variant is not expected to disrupt TRPV3 protein function with a negative predictive value of 95%. In summary, the available evidence is currently insufficient to determine the role of this variant in disease. Therefore, it has been classified as a Variant of Uncertain Significance.

Ambry Genetics
Classification: Uncertain significance for Inborn genetic diseases. Last evaluated: 2024-08-27. Review status: criteria provided, single submitter. Criteria: Ambry Variant Classification Scheme 2023. Collection method: clinical testing. Allele origin: germline.